The following is an entry in ClinVar:

NM_001110556.2(FLNA):c.2493T>G (p.Asn831Lys)

Gene: FLNA (filamin A; minus strand). Cytogenetic location: Xq28.
Variant type: single nucleotide variant.
Coding change: c.2493T>G on transcript NM_001110556.2 (MANE Select); coding-DNA position 2493, T replaced by G.
Protein change: p.Asn831Lys; replaces asparagine 831 with lysine.
Molecular consequence: missense variant.
Genome position (GRCh38, 1-based): chrX:154,362,490, A>C on the plus strand (T>G on the coding strand, the complement: FLNA is on the minus strand). VCF-style: chrX-154362490-A-C. GRCh37 (hg19) VCF-style: chrX-153590858-A-C.
Other names: c.2493T>G, p.Asn831Lys (NM_001456.4); short protein forms N831K.
Identifiers: ClinVar variation 4788144 (VCV004788144.3).

ClinVar aggregate classification (germline): Uncertain significance. Review status: criteria provided, multiple submitters, no conflicts (2 of 4 stars). 2 submissions from 2 submitters: Uncertain significance (2). Last evaluated 2025-05-17.

Conditions:
Oto-palato-digital syndrome, type II (OPD2). Also called: FACIOPALATOOSSEOUS SYNDROME; OPD II SYNDROME; Otopalatodigital Syndrome, Type II; Otopalatodigital Syndrome Type 2 (FLNA-OPD2). Identifiers: Orphanet 669, Orphanet 90652, MedGen C1844696, MONDO:0010571, OMIM 304120.
Heterotopia, periventricular, X-linked dominant (PVNH1). Also called: PERIVENTRICULAR NODULAR HETEROTOPIA 1; X-linked periventricular heterotopia; PERIVENTRICULAR NODULAR HETEROTOPIA 4; HETEROTOPIA, PERIVENTRICULAR, 1. Identifiers: Orphanet 2149, Orphanet 82004, MedGen C1848213, MONDO:0010233, OMIM 300049.
Melnick-Needles syndrome (MNS). Also called: MELNICK-NEEDLES OSTEODYSPLASTY; OSTEODYSPLASTY OF MELNICK AND NEEDLES; Melnick-Needles Syndrome (FLNA-MNS). Identifiers: Orphanet 2484, MedGen C0025237, MONDO:0010650, OMIM 309350.
Frontometaphyseal dysplasia (FMD1). Identifiers: Orphanet 1826, MedGen C0265293, MONDO:0015942.

Submissions (2):

Dasa
Classification: Uncertain significance. Last evaluated: 2025-05-17. Review status: criteria provided, single submitter. Criteria: DASA Assertion Criteria. Collection method: clinical testing. Allele origin: germline.
Comment: NM_001110556.2(FLNA):c.2493T>G (p.Asn831Lys) is a missense variant that results in the substitution of asparagine with lysine. This variant is rare in population databases. Computational prediction algorithms are consistent with a benign effect. The currently available literature and clinical evidence are not sufficient to establish a definitive association between this variant and the reported condition. Therefore, this variant is classified as a variant of uncertain significance.

Labcorp Genetics (formerly Invitae), Labcorp
Classification: Uncertain significance for Oto-palato-digital syndrome, type II; Heterotopia, periventricular, X-linked dominant; Frontometaphyseal dysplasia; Melnick-Needles syndrome. Last evaluated: 2025-05-12. Review status: criteria provided, single submitter. Criteria: Invitae Variant Classification Sherloc (09022015). Collection method: clinical testing. Allele origin: germline.
Comment: This sequence change replaces asparagine, which is neutral and polar, with lysine, which is basic and polar, at codon 831 of the FLNA protein (p.Asn831Lys). This variant is not present in population databases (gnomAD no frequency). This variant has not been reported in the literature in individuals affected with FLNA-related conditions. Invitae Evidence Modeling of protein sequence and biophysical properties (such as structural, functional, and spatial information, amino acid conservation, physicochemical variation, residue mobility, and thermodynamic stability) indicates that this missense variant is not expected to disrupt FLNA protein function with a negative predictive value of 95%. In summary, the available evidence is currently insufficient to determine the role of this variant in disease. Therefore, it has been classified as a Variant of Uncertain Significance.